The following is an entry in ClinVar:

ClinVar aggregate classification (germline): Benign (0 of 4 stars; one submission).

Conditions:
MUC16-related disorder. Also called: MUC16-related condition.

Allele frequency attached by ClinVar (database versions not stated): 1000 Genomes Project 0.24840; 1000 Genomes Project 30x 0.24938; gnomAD 0.25959; TOPMed 0.26162; ExAC 0.26284; ESP Exome Variant Server 0.26408; gnomAD exomes 0.29279.

Submission:

PreventionGenetics, part of Exact Sciences
Classification: Benign for MUC16-related condition. Last evaluated: 2019-10-22. Review status: no assertion criteria provided. Collection method: clinical testing. Allele origin: germline.
Comment: This variant is classified as benign based on ACMG/AMP sequence variant interpretation guidelines (Richards et al. 2015 PMID: 25741868, with internal and published modifications).

NM_001401501.2(MUC16):c.10708G>A (p.Val3570Ile)

Gene: MUC16 (mucin 16, cell surface associated; minus strand). Cytogenetic location: 19p13.2.
Variant type: single nucleotide variant.
Coding change: c.10708G>A on transcript NM_001401501.2 (MANE Select); coding-DNA position 10708, G replaced by A.
Protein change: p.Val3570Ile; replaces valine 3570 with isoleucine.
Molecular consequence: missense variant.
Genome position (GRCh38, 1-based): chr19:8,966,182, C>T on the plus strand (G>A on the coding strand, the complement: MUC16 is on the minus strand). VCF-style: chr19-8966182-C-T. GRCh37 (hg19) VCF-style: chr19-9076858-C-T.
Other names: c.11134G>A, p.Val3712Ile (NM_001414686.1); c.10588G>A, p.Val3530Ile (NM_001414687.1, NM_024690.2); short protein forms V3530I, V3570I, V3712I.
Identifiers: ClinVar variation 3060481 (VCV003060481.2), dbSNP rs2547074, ClinGen allele CA9171432.
Genomic context (GRCh38, chr19:8,966,182, plus strand): 5'-TTGAGTTGGTTCCCATGGTGGTGATGGTGGTGGAGATACCTGGAGTAGGAGCTGTGGTTA[C>T]GTCCAGGATGCTCACTTCCGCAGGAGATGAAGTCTGAGATAGATGCCCAGCAGTAGGGGC-3'
Protein context (NP_001388430.1, residues 3560-3580): SSPAEVSILD[Val3570Ile]TTAPTPGIST